The following is an entry in ClinVar:

NM_006767.4(LZTR1):c.2374T>G (p.Cys792Gly)

Gene: LZTR1 (leucine zipper like post translational regulator 1; plus strand). Cytogenetic location: 22q11.21.
Variant type: single nucleotide variant.
Coding change: c.2374T>G on transcript NM_006767.4 (MANE Select); coding-DNA position 2374, T replaced by G.
Protein change: p.Cys792Gly; replaces cysteine 792 with glycine.
Molecular consequence: missense variant.
Genome position (GRCh38, 1-based): chr22:20,996,934, T>G. VCF-style: chr22-20996934-T-G. GRCh37 (hg19) VCF-style: chr22-21351223-T-G.
Other names: short protein forms C792G.
Identifiers: ClinVar variation 4859378 (VCV004859378.1).

ClinVar aggregate classification (germline): Uncertain significance (1 of 4 stars; one submission).

Conditions:
Cardiovascular phenotype. Identifiers: MedGen CN230736.
Hereditary cancer-predisposing syndrome. Also called: Neoplastic Syndromes, Hereditary; Tumor predisposition; Hereditary Cancer Syndrome; Hereditary neoplastic syndrome. Identifiers: Orphanet 140162, MedGen C0027672, MeSH D009386, MONDO:0015356.

Submission:

Ambry Genetics
Classification: Uncertain significance for Cardiovascular phenotype; Hereditary cancer-predisposing syndrome. Last evaluated: 2026-04-10. Review status: criteria provided, single submitter. Criteria: Ambry Variant Classification Scheme 2023. Collection method: clinical testing. Allele origin: germline.
Comment: The p.C792G variant (also known as c.2374T>G), located in coding exon 20 of the LZTR1 gene, results from a T to G substitution at nucleotide position 2374. The cysteine at codon 792 is replaced by glycine, an amino acid with highly dissimilar properties. This amino acid position is highly conserved in available vertebrate species. In addition, this alteration is predicted to be deleterious by in silico analysis. Based on the available evidence, the clinical significance of this variant remains unclear.